The following is an entry in ClinVar:

ClinVar aggregate classification (germline): Conflicting classifications of pathogenicity. Review status: criteria provided, conflicting classifications (1 of 4 stars). 4 submissions from 4 submitters: Uncertain significance (1); Likely benign (3). Last evaluated 2024-08-18.

Conditions:
Familial thoracic aortic aneurysm and aortic dissection (TAAD). Also called: Thoracic aortic aneurysms and dissections. Identifiers: Orphanet 91387, MedGen C4707243, MONDO:0019625.
Aortic aneurysm, familial thoracic 4 (AAT4). Also called: AORTIC ANEURYSM/AORTIC DISSECTION AND PATENT DUCTUS ARTERIOSUS. Identifiers: MedGen C1851504, MONDO:0007568, OMIM 132900.

Allele frequency attached by ClinVar (database versions not stated): ExAC 0.00001; gnomAD 0.00001; gnomAD exomes 0.00001; TOPMed 0.00001.
gnomAD v4.1: 23 of 1,613,996 alleles (0.0014%); highest among the groups gnomAD compares: East Asian, 0.016%; no homozygotes.

Submissions (4):

Labcorp Genetics (formerly Invitae), Labcorp
Classification: Likely benign for Aortic aneurysm, familial thoracic 4. Last evaluated: 2024-08-18. Review status: criteria provided, single submitter. Criteria: Invitae Variant Classification Sherloc (09022015). Collection method: clinical testing. Allele origin: germline.

All of Us Research Program, National Institutes of Health
Classification: Likely benign for Familial thoracic aortic aneurysm and aortic dissection. Last evaluated: 2023-12-01. Review status: criteria provided, single submitter. Criteria: ACMG Guidelines, 2015. Collection method: clinical testing. Allele origin: germline. Inheritance: Autosomal dominant inheritance. Observed: 5 variant alleles, 5 heterozygotes.
Comment: This study involves interpretation of variants in research participants for the purpose of population health screening. Participant phenotype was not available at the time of variant classification. Additional details can be found in publication PMID: 35346344, PMCID: PMC8962531

GeneDx
Classification: Uncertain significance. Last evaluated: 2022-11-30. Review status: criteria provided, single submitter. Criteria: GeneDx Variant Classification Process June 2021. Collection method: clinical testing. Allele origin: germline. Affected: yes.
Comment: Not observed at significant frequency in large population cohorts (gnomAD); Has not been previously published as pathogenic or benign to our knowledge; In silico analysis suggests this variant may impact gene splicing. In the absence of RNA/functional studies, the actual effect of this sequence change is unknown.

Color Diagnostics, LLC DBA Color Health
Classification: Likely benign for Familial thoracic aortic aneurysm and aortic dissection. Last evaluated: 2019-03-07. Review status: criteria provided, single submitter. Criteria: ACMG Guidelines, 2015. Collection method: clinical testing. Allele origin: germline.

NM_002474.3(MYH11):c.2385G>A (p.Ala795=)

Gene: MYH11 (myosin heavy chain 11; minus strand). Cytogenetic location: 16p13.11.
Variant type: single nucleotide variant.
Coding change: c.2385G>A on transcript NM_002474.3 (MANE Select); coding-DNA position 2385, G replaced by A.
Protein change: p.Ala795=; no amino-acid change (alanine 795 retained).
Molecular consequence: synonymous variant.
Genome position (GRCh38, 1-based): chr16:15,747,596, C>T on the plus strand (G>A on the coding strand, the complement: MYH11 is on the minus strand). VCF-style: chr16-15747596-C-T. GRCh37 (hg19) VCF-style: chr16-15841453-C-T.
Other names: c.2406G>A, p.Ala802= (NM_001040113.2, NM_001040114.2); c.2385G>A, p.Ala795= (NM_022844.3); c.2385G>A (NM_002474.2).
Identifiers: ClinVar variation 921127 (VCV000921127.12), dbSNP rs772248675, ClinGen allele CA7922303.